The following is an entry in ClinVar:

ClinVar aggregate classification (germline): Uncertain significance. Review status: criteria provided, multiple submitters, no conflicts (2 of 4 stars). 2 submissions from 2 submitters: Uncertain significance (2). Last evaluated 2025-08-11.

Conditions:
Inborn genetic diseases. Identifiers: MedGen C0950123, MeSH D030342.

gnomAD v4.1: 13 of 1,613,954 alleles (0.00081%); highest among the groups gnomAD compares: Non-Finnish European, 0.0011%; no homozygotes.

Submissions (2):

Labcorp Genetics (formerly Invitae), Labcorp
Classification: Uncertain significance. Last evaluated: 2025-08-11. Review status: criteria provided, single submitter. Criteria: Invitae Variant Classification Sherloc (09022015). Collection method: clinical testing. Allele origin: germline.
Comment: This sequence change replaces arginine, which is basic and polar, with leucine, which is neutral and non-polar, at codon 478 of the AAAS protein (p.Arg478Leu). This variant is present in population databases (rs781738941, gnomAD 0.004%). This variant has not been reported in the literature in individuals affected with AAAS-related conditions. ClinVar contains an entry for this variant (Variation ID: 2413544). Invitae Evidence Modeling of protein sequence and biophysical properties (such as structural, functional, and spatial information, amino acid conservation, physicochemical variation, residue mobility, and thermodynamic stability) indicates that this missense variant is not expected to disrupt AAAS protein function with a negative predictive value of 80%. Algorithms developed to predict the effect of sequence changes on RNA splicing suggest that this variant may disrupt the consensus splice site. In summary, the available evidence is currently insufficient to determine the role of this variant in disease. Therefore, it has been classified as a Variant of Uncertain Significance.

Ambry Genetics
Classification: Uncertain significance for Inborn genetic diseases. Last evaluated: 2021-07-06. Review status: criteria provided, single submitter. Criteria: Ambry Variant Classification Scheme 2023. Collection method: clinical testing. Allele origin: germline.

NM_015665.6(AAAS):c.1433G>T (p.Arg478Leu)

Gene: AAAS (aladin WD repeat nucleoporin; minus strand). Cytogenetic location: 12q13.13.
Variant type: single nucleotide variant.
Coding change: c.1433G>T on transcript NM_015665.6 (MANE Select); coding-DNA position 1433, G replaced by T.
Protein change: p.Arg478Leu; replaces arginine 478 with leucine.
Molecular consequence: missense variant.
Genome position (GRCh38, 1-based): chr12:53,307,697, C>A on the plus strand (G>T on the coding strand, the complement: AAAS is on the minus strand). VCF-style: chr12-53307697-C-A. GRCh37 (hg19) VCF-style: chr12-53701481-C-A.
Other names: c.1433G>T (NM_015665.5); c.1334G>T, p.Arg445Leu (NM_001173466.2); short protein forms R445L, R478L.
Identifiers: ClinVar variation 2413544 (VCV002413544.5), dbSNP rs781738941, ClinGen allele CA6598832.